The following is an entry in ClinVar:

NM_004928.3(CFAP410):c.545+1G>C

Gene: CFAP410 (cilia and flagella associated protein 410; minus strand). Cytogenetic location: 21q22.3.
Variant type: single nucleotide variant.
Coding change: c.545+1G>C on transcript NM_004928.3 (MANE Select); the canonical splice donor site of the intron after coding-DNA position 545, G replaced by C.
Molecular consequence: splice donor variant.
Genome position (GRCh38, 1-based): chr21:44,331,842, C>G on the plus strand (G>C on the coding strand, the complement: CFAP410 is on the minus strand). VCF-style: chr21-44331842-C-G. GRCh37 (hg19) VCF-style: chr21-45751725-C-G.
Other names: c.545+1G>C (NM_001271440.2, NM_001271441.2); c.422+1G>C (NM_001271442.1).
Identifiers: ClinVar variation 1512365 (VCV001512365.8), dbSNP rs778222701, ClinGen allele CA410453274.

ClinVar aggregate classification (germline): Pathogenic (1 of 4 stars; one submission).

Submission:

Labcorp Genetics (formerly Invitae), Labcorp
Classification: Pathogenic. Last evaluated: 2022-10-28. Review status: criteria provided, single submitter. Criteria: Invitae Variant Classification Sherloc (09022015). Collection method: clinical testing. Allele origin: germline.
Comment: This sequence change affects a donor splice site in intron 5 of the CFAP410 gene. RNA analysis indicates that disruption of this splice site induces altered splicing and may result in an absent or disrupted protein product. This variant is not present in population databases (gnomAD no frequency). Disruption of this splice site has been observed in individuals with clinical features of CFAP410-related conditions (PMID: 23105016, 26974433). ClinVar contains an entry for this variant (Variation ID: 1512365). Studies have shown that disruption of this splice site results in activation of cryptic splice sites and introduces a premature termination codon (PMID: 26974433). The resulting mRNA is expected to undergo nonsense-mediated decay. For these reasons, this variant has been classified as Pathogenic.

Literature cited by the submitters: PubMed 23105016; PubMed 26974433.